The following is an entry in ClinVar:

ClinVar aggregate classification (germline): Uncertain significance (1 of 4 stars; one submission).

Conditions:
Autoimmune lymphoproliferative syndrome type 2A (ALPS2A). Also called: CASP10-Related Autoimmune Lymphoproliferative Syndrome; AUTOIMMUNE LYMPHOPROLIFERATIVE SYNDROME, TYPE IIA; Autoimmune lymphoproliferative syndrome type 2. Identifiers: Orphanet 3261, MedGen C1858968, MONDO:0011383, OMIM 603909.

Allele frequency attached by ClinVar (database versions not stated): gnomAD exomes 0.00003 and 0.00005; TOPMed 0.00003; ExAC 0.00004; gnomAD 0.00004.
gnomAD v4.1: 71 of 1,613,104 alleles (0.0044%); highest among the groups gnomAD compares: Non-Finnish European, 0.0057%; no homozygotes.

Submission:

Labcorp Genetics (formerly Invitae), Labcorp
Classification: Uncertain significance for Autoimmune lymphoproliferative syndrome type 2A. Last evaluated: 2024-12-03. Review status: criteria provided, single submitter. Criteria: Invitae Variant Classification Sherloc (09022015). Collection method: clinical testing. Allele origin: germline.
Comment: This sequence change falls in intron 4 of the CASP10 gene. It does not directly change the encoded amino acid sequence of the CASP10 protein. It affects a nucleotide within the consensus splice site. This variant is present in population databases (rs780947440, gnomAD 0.006%). This variant has not been reported in the literature in individuals affected with CASP10-related conditions. ClinVar contains an entry for this variant (Variation ID: 947590). Variants that disrupt the consensus splice site are a relatively common cause of aberrant splicing (PMID: 17576681, 9536098). Algorithms developed to predict the effect of sequence changes on RNA splicing suggest that this variant is not likely to affect RNA splicing. In summary, the available evidence is currently insufficient to determine the role of this variant in disease. Therefore, it has been classified as a Variant of Uncertain Significance.

Literature cited by the submitters: PubMed 17576681; PubMed 9536098.

NM_032977.4(CASP10):c.577+3A>G

Gene: CASP10 (caspase 10; plus strand). Cytogenetic location: 2q33.1.
Variant type: single nucleotide variant.
Coding change: c.577+3A>G on transcript NM_032977.4 (MANE Select); 3 bases into the intron after coding-DNA position 577, A replaced by G.
Molecular consequence: intron variant.
Genome position (GRCh38, 1-based): chr2:201,193,122, A>G. VCF-style: chr2-201193122-A-G. GRCh37 (hg19) VCF-style: chr2-202057845-A-G.
Other names: c.577+3A>G (NM_032974.5, NM_001206542.2, NM_032976.4 and 3 more transcripts).
Identifiers: ClinVar variation 947590 (VCV000947590.10), dbSNP rs780947440, ClinGen allele CA2052903.